The following is an entry in ClinVar:

ClinVar aggregate classification (germline): Uncertain significance (1 of 4 stars; one submission).

Submission:

GeneDx
Classification: Uncertain significance. Last evaluated: 2025-06-09. Review status: criteria provided, single submitter. Criteria: GeneDx Variant Classification Process June 2021. Collection method: clinical testing. Allele origin: germline. Affected: yes.
Comment: Not observed at significant frequency in large population cohorts (gnomAD); In silico analysis suggests that this missense variant does not alter protein structure/function; Has not been previously published as pathogenic or benign to our knowledge

NM_015001.3(SPEN):c.8453G>A (p.Ser2818Asn)

Gene: SPEN (spen family transcriptional repressor; plus strand). Cytogenetic location: 1p36.13.
Variant type: single nucleotide variant.
Coding change: c.8453G>A on transcript NM_015001.3 (MANE Select); coding-DNA position 8453, G replaced by A.
Protein change: p.Ser2818Asn; replaces serine 2818 with asparagine.
Molecular consequence: missense variant.
Genome position (GRCh38, 1-based): chr1:15,934,693, G>A. VCF-style: chr1-15934693-G-A. GRCh37 (hg19) VCF-style: chr1-16261188-G-A.
Other names: short protein forms S2818N.
Identifiers: ClinVar variation 4537592 (VCV004537592.1).
Genomic context (GRCh38, chr1:15,934,693, plus strand): 5'-CAGACGCGGGCTCAGGGGCGGGGCTGCGTGTGAACACTTCTGAAGGGGTTGTGCTCCTGA[G>A]TTACTCAGGGCAGAAGACCGAAGGCCCACAGCGGATCAGCGCCAAGATCAGCCAGATCCC-3'
Protein context (NP_055816.2, residues 2808-2828): VNTSEGVVLL[Ser2818Asn]YSGQKTEGPQ